The following is an entry in ClinVar:

NM_001374385.1(ATP8B1):c.2584G>A (p.Ala862Thr)

Genes: ATP8B1 (ATPase phospholipid transporting 8B1; minus strand), ATP8B1-AS1 (ATP8B1 antisense RNA 1; plus strand). Cytogenetic location: 18q21.31.
Variant type: single nucleotide variant.
Coding change: c.2584G>A on transcript NM_001374385.1 (MANE Select); coding-DNA position 2584, G replaced by A.
Protein change: p.Ala862Thr; replaces alanine 862 with threonine.
Molecular consequence: missense variant.
Genome position (GRCh38, 1-based): chr18:57,661,297, C>T on the plus strand (G>A on the coding strand, the complement: ATP8B1 is on the minus strand). VCF-style: chr18-57661297-C-T. GRCh37 (hg19) VCF-style: chr18-55328529-C-T.
Other names: c.2434G>A, p.Ala812Thr (NM_001374386.1); c.2584G>A, p.Ala862Thr (NM_005603.6); c.2584G>A (NM_005603.4); short protein forms A862T, A812T.
Identifiers: ClinVar variation 594677 (VCV000594677.9), dbSNP rs774396862, ClinGen allele CA8974222.

ClinVar aggregate classification (germline): Uncertain significance. Review status: criteria provided, multiple submitters, no conflicts (2 of 4 stars). 3 submissions from 3 submitters: Uncertain significance (3). Last evaluated 2025-12-03.

Conditions:
ATP8B1-related disorder. Also called: ATP8B1-related disorders; ATP8B1-related condition.
Inborn genetic diseases. Identifiers: MedGen C0950123, MeSH D030342.

Allele frequency attached by ClinVar (database versions not stated): gnomAD 0.00001; ExAC 0.00002; gnomAD exomes 0.00002; TOPMed 0.00003.
gnomAD v4.1: 33 of 1,613,848 alleles (0.002%); highest among the groups gnomAD compares: Middle Eastern, 0.033%; no homozygotes.

Submissions (3):

PreventionGenetics, part of Exact Sciences
Classification: Uncertain significance for ATP8B1-related condition. Last evaluated: 2025-12-03. Review status: criteria provided, single submitter. Criteria: ACMG Guidelines, 2015. Collection method: clinical testing. Allele origin: germline.
Comment: The ATP8B1 c.2584G>A variant is predicted to result in the amino acid substitution p.Ala862Thr. To our knowledge, this variant has not been reported in the literature. This variant is reported in 0.0065% of alleles in individuals of South Asian descent in gnomAD. At this time, the clinical significance of this variant is uncertain due to the absence of conclusive functional and genetic evidence.

Ambry Genetics
Classification: Uncertain significance for Inborn genetic diseases. Last evaluated: 2025-08-07. Review status: criteria provided, single submitter. Criteria: Ambry Variant Classification Scheme 2023. Collection method: clinical testing. Allele origin: germline.

Eurofins Ntd Llc (ga)
Classification: Uncertain significance. Last evaluated: 2018-07-06. Review status: criteria provided, single submitter. Criteria: EGL ClinVar v180209 classification definitions. Collection method: clinical testing. Allele origin: germline. Observed: 2 variant alleles, 2 heterozygotes.